The following is an entry in ClinVar:

ClinVar aggregate classification (germline): Conflicting classifications of pathogenicity. Review status: criteria provided, conflicting classifications (1 of 4 stars). 5 submissions from 5 submitters: Uncertain significance (1); Likely benign (4). Last evaluated 2024-12-13.

Conditions:
TOPORS-related disorder. Also called: TOPORS-related condition.
Retinitis pigmentosa (RP). Identifiers: Orphanet 791, MedGen C0035334, MeSH D012174, MONDO:0019200, OMIM 268000. Inheritance: Autosomal dominant, autosomal recessive and X linked inheritance.

Allele frequency attached by ClinVar (database versions not stated): TOPMed 0.00005; gnomAD 0.00006 and 0.00008; ExAC 0.00008; gnomAD exomes 0.00008; ESP Exome Variant Server 0.00031.
gnomAD v4.1: 69 of 1,614,164 alleles (0.0043%); highest among the groups gnomAD compares: Middle Eastern, 0.082%; no homozygotes.

Submissions (5):

PreventionGenetics, part of Exact Sciences
Classification: Likely benign for TOPORS-related condition. Last evaluated: 2024-12-13. Review status: criteria provided, single submitter. Criteria: ACMG Guidelines, 2015. Collection method: clinical testing. Allele origin: germline.
Comment: This variant is classified as likely benign based on ACMG/AMP sequence variant interpretation guidelines (Richards et al. 2015 PMID: 25741868, with internal and published modifications).

Blueprint Genetics
Classification: Likely benign. Last evaluated: 2024-11-15. Review status: criteria provided, single submitter. Criteria: ACMG Guidelines, 2015. Collection method: clinical testing. Allele origin: germline.

Labcorp Genetics (formerly Invitae), Labcorp
Classification: Likely benign. Last evaluated: 2024-10-21. Review status: criteria provided, single submitter. Criteria: Invitae Variant Classification Sherloc (09022015). Collection method: clinical testing. Allele origin: germline.

CeGaT Center for Human Genetics Tuebingen
Classification: Likely benign. Last evaluated: 2023-04-01. Review status: criteria provided, single submitter. Criteria: CeGaT Center For Human Genetics Tuebingen Variant Classification Criteria Version 2. Collection method: clinical testing. Allele origin: germline. Affected: yes. Observed: 1 variant allele.
Comment: TOPORS: BP4, BS1

Illumina Laboratory Services, Illumina
Classification: Uncertain significance for Retinitis pigmentosa. Last evaluated: 2018-01-12. Review status: criteria provided, single submitter. Criteria: ICSL Variant Classification Criteria 13 December 2019. Collection method: clinical testing. Allele origin: germline.

NM_005802.5(TOPORS):c.671A>G (p.Asp224Gly)

Gene: TOPORS (TOP1 binding arginine/serine rich protein, E3 ubiquitin ligase; minus strand). Cytogenetic location: 9p21.1.
Variant type: single nucleotide variant.
Coding change: c.671A>G on transcript NM_005802.5 (MANE Select); coding-DNA position 671, A replaced by G.
Protein change: p.Asp224Gly; replaces aspartic acid 224 with glycine.
Molecular consequence: missense variant.
Genome position (GRCh38, 1-based): chr9:32,543,854, T>C on the plus strand (A>G on the coding strand, the complement: TOPORS is on the minus strand). VCF-style: chr9-32543854-T-C. GRCh37 (hg19) VCF-style: chr9-32543852-T-C.
Other names: c.476A>G, p.Asp159Gly (NM_001195622.2); short protein forms D159G, D224G.
Identifiers: ClinVar variation 913834 (VCV000913834.39), dbSNP rs147071021, ClinGen allele CA5020612.